The following is an entry in ClinVar:

NM_000051.4(ATM):c.8028A>C (p.Glu2676Asp)

Genes: ATM (ATM serine/threonine kinase; plus strand), C11orf65 (chromosome 11 open reading frame 65; minus strand). Cytogenetic location: 11q22.3.
Variant type: single nucleotide variant.
Coding change: c.8028A>C on transcript NM_000051.4 (MANE Select); coding-DNA position 8028, A replaced by C.
Protein change: p.Glu2676Asp; replaces glutamic acid 2676 with aspartic acid.
Molecular consequence: missense variant. On other transcripts: intron variant (2).
Genome position (GRCh38, 1-based): chr11:108,334,986, A>C. VCF-style: chr11-108334986-A-C. GRCh37 (hg19) VCF-style: chr11-108205713-A-C.
Other names: c.8028A>C, p.Glu2676Asp (NM_001351834.2); c.641-25915T>G (NM_001330368.2); c.*38+234T>G (NM_001351110.2); short protein forms E2676D.
Identifiers: ClinVar variation 2832000 (VCV002832000.3), dbSNP rs1389648050, ClinGen allele CA382561871.

ClinVar aggregate classification (germline): Uncertain significance (1 of 4 stars; one submission).

Conditions:
Ataxia-telangiectasia syndrome (AT). Also called: LOUIS-BAR SYNDROME; Cerebello-oculocutaneous telangiectasia; Immunodeficiency with ataxia telangiectasia; Ataxia telangiectasia (A-T); Ataxia-telangiectasia, complementation group D; AT, COMPLEMENTATION GROUP C. Identifiers: Orphanet 100, MedGen C0004135, MONDO:0008840, OMIM 208900.

gnomAD v4.1: 3 of 1,613,556 alleles (0.00019%); highest among the groups gnomAD compares: South Asian, 0.0033%; no homozygotes.

Submission:

Labcorp Genetics (formerly Invitae), Labcorp
Classification: Uncertain significance for Ataxia-telangiectasia syndrome. Last evaluated: 2023-03-17. Review status: criteria provided, single submitter. Criteria: Invitae Variant Classification Sherloc (09022015). Collection method: clinical testing. Allele origin: germline.
Comment: In summary, the available evidence is currently insufficient to determine the role of this variant in disease. Therefore, it has been classified as a Variant of Uncertain Significance. An algorithm developed to predict the effect of missense changes on protein structure and function (PolyPhen-2) suggests that this variant is likely to be tolerated. This variant has not been reported in the literature in individuals affected with ATM-related conditions. This variant is present in population databases (no rsID available, gnomAD 0.003%). This sequence change replaces glutamic acid, which is acidic and polar, with aspartic acid, which is acidic and polar, at codon 2676 of the ATM protein (p.Glu2676Asp).